The following is an entry in ClinVar:

NM_001851.6(COL9A1):c.848del (p.Pro283fs)

Gene: COL9A1 (collagen type IX alpha 1 chain; minus strand). Cytogenetic location: 6q13.
Variant type: Deletion.
Coding change: c.848del on transcript NM_001851.6 (MANE Select); coding-DNA position 848, one base deleted (C; older notation c.848delC).
Protein change: p.Pro283fs; shifts the reading frame from proline 283.
Molecular consequence: frameshift variant. On other transcripts: non-coding transcript variant (1).
Genome position (GRCh38, 1-based): chr6:70,281,418, G deleted on the plus strand (C on the coding strand, the reverse complement: COL9A1 is on the minus strand); the first of 6 consecutive G bases (chr6:70,281,418-70,281,423); deleting any one gives the same sequence. VCF-style (leftmost placement, unchanged base first): chr6-70281417-AG-A. GRCh37 (hg19) VCF-style: chr6-70991120-AG-A.
Other names: c.119del, p.Pro40fs (NM_001377289.1, NM_001377290.1, NM_078485.4); c.848del, p.Pro283fs (NM_001377291.1); short protein forms P40fs, P283fs.
Identifiers: ClinVar variation 3684308 (VCV003684308.3).

ClinVar aggregate classification (germline): Pathogenic/Likely pathogenic. Review status: criteria provided, multiple submitters, no conflicts (2 of 4 stars). 2 submissions from 2 submitters: Pathogenic (1); Likely pathogenic (1). Last evaluated 2024-06-24.

Conditions:
COL9A1-related disorder. Also called: COL9A1-related condition; COL9A1-related disorders.

Submissions (2):

Labcorp Genetics (formerly Invitae), Labcorp
Classification: Pathogenic. Last evaluated: 2024-06-24. Review status: criteria provided, single submitter. Criteria: Invitae Variant Classification Sherloc (09022015). Collection method: clinical testing. Allele origin: germline.
Comment: This sequence change creates a premature translational stop signal (p.Pro283Leufs*45) in the COL9A1 gene. It is expected to result in an absent or disrupted protein product. Loss-of-function variants in COL9A1 are known to be pathogenic (PMID: 16909383, 21421862). The frequency data for this variant in the population databases is considered unreliable, as metrics indicate poor data quality at this position in the gnomAD database. This variant has not been reported in the literature in individuals affected with COL9A1-related conditions. For these reasons, this variant has been classified as Pathogenic.

Blueprint Genetics
Classification: Likely pathogenic for COL9A1-related disorders. Last evaluated: 2021-11-16. Review status: criteria provided, single submitter. Criteria: ACMG Guidelines, 2015. Collection method: clinical testing. Allele origin: germline. Affected: yes. Observed: 1 variant allele.

Literature cited by the submitters: PubMed 16909383 (cited by Labcorp Genetics (formerly Invitae), Labcorp); PubMed 21421862 (cited by Labcorp Genetics (formerly Invitae), Labcorp).